The following is an entry in ClinVar:

NM_003281.4(TNNI1):c.40C>T (p.Arg14Cys)

Gene: TNNI1 (troponin I1, slow skeletal type; minus strand). Cytogenetic location: 1q32.1.
Variant type: single nucleotide variant.
Coding change: c.40C>T on transcript NM_003281.4 (MANE Select); coding-DNA position 40, C replaced by T.
Protein change: p.Arg14Cys; replaces arginine 14 with cysteine.
Molecular consequence: missense variant.
Genome position (GRCh38, 1-based): chr1:201,415,230, G>A on the plus strand (C>T on the coding strand, the complement: TNNI1 is on the minus strand). VCF-style: chr1-201415230-G-A. GRCh37 (hg19) VCF-style: chr1-201384358-G-A.
Other names: short protein forms R14C.
Identifiers: ClinVar variation 2498345 (VCV002498345.3), dbSNP rs771077280, ClinGen allele CA1325535.
Genomic context (GRCh38, chr1:201,415,230, plus strand): 5'-GCCTCCCACTGGGCATCCCCCCACAGCCAGCCCCCAGCCTCACCTTCAGCAAGAGTTTGC[G>A]GGAGGCAGTGATCTTGGGTTTTCTCTGTGGGCAAGAAGAGAGAGAGACAGGTGGTGAGGC-3'
Protein context (NP_003272.3, residues 4-24): VERKPKITAS[Arg14Cys]KLLLKSLMLA

ClinVar aggregate classification (germline): Uncertain significance. Review status: criteria provided, multiple submitters, no conflicts (2 of 4 stars). 2 submissions from 2 submitters: Uncertain significance (2). Last evaluated 2025-10-31.

Conditions:
TNNI1-related disorder.
TNNI1-related congenital myopathy.

Allele frequency attached by ClinVar (database versions not stated): ExAC 0.00005; TOPMed 0.00001; gnomAD 0.00001.
gnomAD v4.1: 32 of 1,613,930 alleles (0.002%); highest among the groups gnomAD compares: East Asian, 0.011%; no homozygotes.

Submissions (2):

3billion
Classification: Uncertain significance for TNNI1-related disorder. Last evaluated: 2025-10-31. Review status: criteria provided, single submitter. Criteria: ACMG Guidelines, 2015. Collection method: clinical testing. Allele origin: germline. Affected: yes.
Comment: The variant is observed at an extremely low frequency in the gnomAD v4.1.0 dataset (total allele frequency: 0.002%). Predicted Consequence/Location: Missense variant In silico tool predictions suggest damaging effect of the variant on gene or gene product [REVEL: 0.82 (>=0.6, sensitivity 0.68 and specificity 0.92)]. The same nucleotide change resulting in the same amino acid change has been previously reported to be associated with TNNI1-related disorder (PMID: 38569017). The variant has been reported to be in trans with a pathogenic variant as either compound heterozygous or homozygous in at least one similarly affected unrelated individual (PMID: 38569017). A different missense change at the same codon (p.Arg14His) has been reported to be associated with TNNI1-related disorder (PMID: 38569017). However the evidence of pathogenicity is insufficient at this time. Therefore, this variant is classified as VUS according to the recommendation of ACMG/AMP guideline.

Medical Molecular Genetics Department, National Research Center
Classification: Uncertain significance for TNNI1-related congenital myopathy. Review status: criteria provided, single submitter. Criteria: ACMG Guidelines, 2015. Collection method: clinical testing. Allele origin: biparental. Affected: yes.

Literature cited by the submitters: PubMed 38569017 (cited by 3billion).